The following is an entry in ClinVar:

ClinVar aggregate classification (germline): Benign/Likely benign. Review status: criteria provided, multiple submitters, no conflicts (2 of 4 stars). 3 submissions from 3 submitters: Benign (2); Likely benign (1). Last evaluated 2026-01-16.

Allele frequency attached by ClinVar (database versions not stated): gnomAD exomes 0.00008 and 0.00020; ExAC 0.00037; ESP Exome Variant Server 0.00051; gnomAD 0.00106 and 0.00111; TOPMed 0.00159; 1000 Genomes Project 0.00160; 1000 Genomes Project 30x 0.00172.

Submissions (3):

Labcorp Genetics (formerly Invitae), Labcorp
Classification: Benign. Last evaluated: 2026-01-16. Review status: criteria provided, single submitter. Criteria: Invitae Variant Classification Sherloc (09022015). Collection method: clinical testing. Allele origin: germline.

Women's Health and Genetics/Laboratory Corporation of America, LabCorp
Classification: Benign. Last evaluated: 2025-03-28. Review status: criteria provided, single submitter. Criteria: LabCorp Variant Classification Summary - May 2015. Collection method: clinical testing. Allele origin: germline.
Comment: Variant summary: SLC46A1 c.228+17G>A alters a nucleotide located at a position not widely known to affect splicing. Consensus agreement among computation tools predict no significant impact on normal splicing. However, these predictions have yet to be confirmed by functional studies. The variant allele was found at a frequency of 0.0002 in 153866 control chromosomes, predominantly at a frequency of 0.0023 within the African or African-American subpopulation in the gnomAD database. The observed variant frequency within African or African-American control individuals in the gnomAD database is approximately 2 fold of the estimated maximal expected allele frequency for a pathogenic variant in SLC46A1 causing Congenital Defect Of Folate Absorption phenotype (0.0011). To our knowledge, no occurrence of c.228+17G>A in individuals affected with Congenital Defect Of Folate Absorption and no experimental evidence demonstrating its impact on protein function have been reported. ClinVar contains an entry for this variant (Variation ID: 1165980). Based on the evidence outlined above, the variant was classified as benign.

Blueprint Genetics
Classification: Likely benign. Last evaluated: 2024-10-16. Review status: criteria provided, single submitter. Criteria: ACMG Guidelines, 2015. Collection method: clinical testing. Allele origin: germline.

NM_080669.6(SLC46A1):c.228+17G>A

Gene: SLC46A1 (solute carrier family 46 member 1; minus strand). Cytogenetic location: 17q11.2.
Variant type: single nucleotide variant.
Coding change: c.228+17G>A on transcript NM_080669.6 (MANE Select); 17 bases into the intron after coding-DNA position 228, G replaced by A.
Molecular consequence: intron variant.
Genome position (GRCh38, 1-based): chr17:28,405,870, C>T on the plus strand (G>A on the coding strand, the complement: SLC46A1 is on the minus strand). VCF-style: chr17-28405870-C-T. GRCh37 (hg19) VCF-style: chr17-26732888-C-T.
Other names: c.228+17G>A (NM_001242366.3).
Identifiers: ClinVar variation 1165980 (VCV001165980.9), dbSNP rs185140572, ClinGen allele CA8458374.